The following is an entry in ClinVar:

ClinVar aggregate classification (germline): Conflicting classifications of pathogenicity. Review status: criteria provided, conflicting classifications (1 of 4 stars). 7 submissions from 7 submitters: Uncertain significance (6); Likely benign (1). Last evaluated 2026-01-16.

Conditions:
Hereditary cancer-predisposing syndrome. Also called: Neoplastic Syndromes, Hereditary; Hereditary Cancer Syndrome; Tumor predisposition; Hereditary neoplastic syndrome. Identifiers: Orphanet 140162, MedGen C0027672, MeSH D009386, MONDO:0015356.
Hereditary breast ovarian cancer syndrome. Also called: Hereditary breast and ovarian cancer syndrome; Hereditary breast and ovarian cancer; Hereditary breast and ovarian cancer syndrome (HBOC); Hereditary breast and/or ovarian cancer syndrome; Breast and ovarian cancer; BRCA1- and BRCA2-Associated Hereditary Breast and Ovarian Cancer. Identifiers: Orphanet 145, MedGen C0677776, MeSH D061325, MONDO:0003582. Disease mechanism: loss of function.
Breast-ovarian cancer, familial, susceptibility to, 2 (BROVCA2). Also called: BRCA2 Hereditary Breast and Ovarian Cancer. Identifiers: Orphanet 145, MedGen C2675520, MONDO:0012933, OMIM 612555. Disease mechanism: loss of function.

Allele frequency attached by ClinVar (database versions not stated): gnomAD exomes below 0.00001; TOPMed below 0.00001.

Submissions (7):

Labcorp Genetics (formerly Invitae), Labcorp
Classification: Uncertain significance for Hereditary breast ovarian cancer syndrome. Last evaluated: 2026-01-16. Review status: criteria provided, single submitter. Criteria: Invitae Variant Classification Sherloc (09022015). Collection method: clinical testing. Allele origin: germline.
Comment: This sequence change replaces methionine, which is neutral and non-polar, with threonine, which is neutral and polar, at codon 1936 of the BRCA2 protein (p.Met1936Thr). This variant is present in population databases (no rsID available, gnomAD 0.0009%). This variant has not been reported in the literature in individuals affected with BRCA2-related conditions. ClinVar contains an entry for this variant (Variation ID: 801114). Invitae Evidence Modeling of protein sequence and biophysical properties (such as structural, functional, and spatial information, amino acid conservation, physicochemical variation, residue mobility, and thermodynamic stability) indicates that this missense variant is not expected to disrupt BRCA2 protein function with a negative predictive value of 95%. In summary, the available evidence is currently insufficient to determine the role of this variant in disease. Therefore, it has been classified as a Variant of Uncertain Significance.

Ambry Genetics
Classification: Uncertain significance for Hereditary cancer-predisposing syndrome. Last evaluated: 2025-12-10. Review status: criteria provided, single submitter. Criteria: Ambry Variant Classification Scheme 2023. Collection method: clinical testing. Allele origin: germline.
Comment: The p.M1936T variant (also known as c.5807T>C), located in coding exon 10 of the BRCA2 gene, results from a T to C substitution at nucleotide position 5807. The methionine at codon 1936 is replaced by threonine, an amino acid with similar properties. This amino acid position is not well conserved in available vertebrate species. In addition, this alteration is predicted to be tolerated by in silico analysis. Since supporting evidence is limited at this time, the clinical significance of this alteration remains unclear.

Color Diagnostics, LLC DBA Color Health
Classification: Uncertain significance for Hereditary cancer-predisposing syndrome. Last evaluated: 2025-01-14. Review status: criteria provided, single submitter. Criteria: ACMG Guidelines, 2015. Collection method: clinical testing. Allele origin: germline.
Comment: This missense variant replaces methionine with threonine at codon 1936 of the BRCA2 protein. Computational prediction suggests that this variant may not impact protein structure and function. To our knowledge, functional studies have not been reported for this variant. This variant has not been reported in individuals affected with BRCA2-related disorders in the literature. This variant has been identified in 1/250760 chromosomes in the general population by the Genome Aggregation Database (gnomAD). The available evidence is insufficient to determine the role of this variant in disease conclusively. Therefore, this variant is classified as a Variant of Uncertain Significance.

All of Us Research Program, National Institutes of Health
Classification: Uncertain significance for Breast-ovarian cancer, familial, susceptibility to, 2. Last evaluated: 2023-06-08. Review status: criteria provided, single submitter. Criteria: ACMG Guidelines, 2015. Collection method: clinical testing. Allele origin: germline. Inheritance: Autosomal dominant inheritance. Observed: 3 variant alleles, 3 heterozygotes.
Comment: This missense variant replaces methionine with threonine at codon 1936 of the BRCA2 protein. Computational prediction tool suggests that this variant may not impact protein structure and function (internally defined REVEL score threshold <=0.5, PMID: 27666373). Splice site prediction tools suggest that this variant may not impact RNA splicing. To our knowledge, functional studies have not been performed for this variant. This variant has not been reported in individuals affected with hereditary cancer in the literature. This variant has been identified in 1/250760 chromosomes in the general population by the Genome Aggregation Database (gnomAD). The available evidence is insufficient to determine the role of this variant in disease conclusively. Therefore, this variant is classified as a Variant of Uncertain Significance.

This study involves interpretation of variants in research participants for the purpose of population health screening. Participant phenotype was not available at the time of variant classification. Additional details can be found in publication PMID: 35346344, PMCID: PMC8962531

University of Washington Department of Laboratory Medicine, University of Washington
Classification: Likely benign for Hereditary cancer-predisposing syndrome. Last evaluated: 2023-03-23. Review status: criteria provided, single submitter. Criteria: Dines et al. (Genet Med. 2020). Collection method: curation. Allele origin: germline.
Comment: Missense variant in a coldspot region where missense variants are very unlikely to be pathogenic (PMID:31911673).

BRCA2 exon 11 coldspot. Reclassification based on statistical prior probability.

Quest Diagnostics Nichols Institute San Juan Capistrano
Classification: Uncertain significance. Last evaluated: 2022-11-11. Review status: criteria provided, single submitter. Criteria: Quest Diagnostics criteria. Collection method: clinical testing. Allele origin: unknown.
Comment: The variant has not been reported in the published literature. The frequency of this variant in the general population, 0.000004 (1/250760 chromosomes), is uninformative in assessment of its pathogenicity. Analysis of this variant using bioinformatics tools for the prediction of the effect of amino acid changes on protein structure and function yielded predictions that this variant is benign. Based on the available information, we are unable to determine the clinical significance of this variant.

GeneDx
Classification: Uncertain significance. Last evaluated: 2020-09-17. Review status: criteria provided, single submitter. Criteria: GeneDx Variant Classification Process June 2021. Collection method: clinical testing. Allele origin: germline. Affected: yes.
Comment: Not observed at a significant frequency in large population cohorts (Lek 2016); In silico analysis supports that this missense variant has a deleterious effect on protein structure/function; Has not been previously published as pathogenic or benign to our knowledge; Also known as 6035T>C

NM_000059.4(BRCA2):c.5807T>C (p.Met1936Thr)

Gene: BRCA2 (BRCA2 DNA repair associated; plus strand). Cytogenetic location: 13q13.1.
Variant type: single nucleotide variant.
Coding change: c.5807T>C on transcript NM_000059.4 (MANE Select); coding-DNA position 5807, T replaced by C.
Protein change: p.Met1936Thr; replaces methionine 1936 with threonine.
Molecular consequence: missense variant.
Genome position (GRCh38, 1-based): chr13:32,340,162, T>C. VCF-style: chr13-32340162-T-C. GRCh37 (hg19) VCF-style: chr13-32914299-T-C.
Other names: short protein forms M1936T.
Identifiers: ClinVar variation 801114 (VCV000801114.24), dbSNP rs1376128381, ClinGen allele CA387787238.